The following is an entry in ClinVar:

ClinVar aggregate classification (germline): Pathogenic (1 of 4 stars; one submission).

Conditions:
Charcot-Marie-Tooth disease type 4. Also called: Charcot-Marie-Tooth disease, type IV; Charcot-Marie-Tooth, Type 4. Identifiers: Orphanet 64749, MedGen C4082197, MONDO:0018995.

Allele frequency attached by ClinVar (database versions not stated): gnomAD exomes below 0.00001.

Submission:

Labcorp Genetics (formerly Invitae), Labcorp
Classification: Pathogenic for Charcot-Marie-Tooth disease type 4. Last evaluated: 2023-08-04. Review status: criteria provided, single submitter. Criteria: Invitae Variant Classification Sherloc (09022015). Collection method: clinical testing. Allele origin: germline.
Comment: For these reasons, this variant has been classified as Pathogenic. ClinVar contains an entry for this variant (Variation ID: 1965769). This variant has not been reported in the literature in individuals affected with NDRG1-related conditions. This variant is present in population databases (no rsID available, gnomAD 0.01%). This sequence change creates a premature translational stop signal (p.His214Profs*3) in the NDRG1 gene. It is expected to result in an absent or disrupted protein product. Loss-of-function variants in NDRG1 are known to be pathogenic (PMID: 12872253, 23996628).

Literature cited by the submitters: PubMed 12872253; PubMed 23996628.

NM_006096.4(NDRG1):c.641del (p.His214fs)

Gene: NDRG1 (N-myc downstream regulated 1; minus strand). Cytogenetic location: 8q24.22.
Variant type: Deletion.
Coding change: c.641del on transcript NM_006096.4 (MANE Select); coding-DNA position 641, one base deleted (A; older notation c.641delA).
Protein change: p.His214fs; shifts the reading frame from histidine 214.
Molecular consequence: frameshift variant.
Genome position (GRCh38, 1-based): chr8:133,250,497, T deleted on the plus strand (A on the coding strand, the reverse complement: NDRG1 is on the minus strand). VCF-style (leftmost placement, unchanged base first): chr8-133250496-GT-G. GRCh37 (hg19) VCF-style: chr8-134262739-GT-G.
Other names: c.641del, p.His214fs (NM_001135242.2, NM_001374845.1, NM_001374846.1); c.443del, p.His148fs (NM_001258432.2, NM_001374847.1); c.398del, p.His133fs (NM_001258433.2); c.692del, p.His231fs (NM_001374844.1); short protein forms H148fs, H214fs, H231fs, H133fs.
Identifiers: ClinVar variation 1965769 (VCV001965769.5), dbSNP rs1405633183, ClinGen allele CA584944503.